The following is an entry in ClinVar:

ClinVar aggregate classification (germline): Uncertain significance (1 of 4 stars; one submission).

Submission:

Labcorp Genetics (formerly Invitae), Labcorp
Classification: Uncertain significance. Last evaluated: 2022-02-05. Review status: criteria provided, single submitter. Criteria: Invitae Variant Classification Sherloc (09022015). Collection method: clinical testing. Allele origin: germline.
Comment: This variant is not present in population databases (gnomAD no frequency). In summary, the available evidence is currently insufficient to determine the role of this variant in disease. Therefore, it has been classified as a Variant of Uncertain Significance. Algorithms developed to predict the effect of missense changes on protein structure and function output the following: SIFT: "Tolerated"; PolyPhen-2: "Not Available"; Align-GVGD: "Class C0". The arginine amino acid residue is found in multiple mammalian species, which suggests that this missense change does not adversely affect protein function. This variant has not been reported in the literature in individuals affected with PCLO-related conditions. This sequence change replaces lysine, which is basic and polar, with arginine, which is basic and polar, at codon 4548 of the PCLO protein (p.Lys4548Arg).

NM_033026.6(PCLO):c.13643A>G (p.Lys4548Arg)

Gene: PCLO (piccolo presynaptic cytomatrix protein; minus strand). Cytogenetic location: 7q21.11.
Variant type: single nucleotide variant.
Coding change: c.13643A>G on transcript NM_033026.6 (MANE Select); coding-DNA position 13643, A replaced by G.
Protein change: p.Lys4548Arg; replaces lysine 4548 with arginine.
Molecular consequence: missense variant.
Genome position (GRCh38, 1-based): chr7:82,879,348, T>C on the plus strand (A>G on the coding strand, the complement: PCLO is on the minus strand). VCF-style: chr7-82879348-T-C. GRCh37 (hg19) VCF-style: chr7-82508664-T-C.
Other names: c.13643A>G, p.Lys4548Arg (NM_014510.3); short protein forms K4548R.
Identifiers: ClinVar variation 1470784 (VCV001470784.8), dbSNP rs2116042936, ClinGen allele CA367882199.